The following is an entry in ClinVar:

NM_006904.7(PRKDC):c.6197T>A (p.Phe2066Tyr)

Gene: PRKDC (protein kinase, DNA-activated, catalytic subunit; minus strand). Cytogenetic location: 8q11.21.
Variant type: single nucleotide variant.
Coding change: c.6197T>A on transcript NM_006904.7 (MANE Select); coding-DNA position 6197, T replaced by A.
Protein change: p.Phe2066Tyr; replaces phenylalanine 2066 with tyrosine.
Molecular consequence: missense variant.
Genome position (GRCh38, 1-based): chr8:47,859,621, A>T on the plus strand (T>A on the coding strand, the complement: PRKDC is on the minus strand). VCF-style: chr8-47859621-A-T. GRCh37 (hg19) VCF-style: chr8-48772182-A-T.
Other names: c.6197T>A, p.Phe2066Tyr (NM_001081640.2); short protein forms F2066Y.
Identifiers: ClinVar variation 3310087 (VCV003310087.1).

ClinVar aggregate classification (germline): Uncertain significance (1 of 4 stars; one submission).

Submission:

Ambry Genetics
Classification: Uncertain significance. Last evaluated: 2024-03-21. Review status: criteria provided, single submitter. Criteria: Ambry Variant Classification Scheme 2023. Collection method: clinical testing. Allele origin: germline.
Comment: The p.F2066Y variant (also known as c.6197T>A), located in coding exon 46 of the PRKDC gene, results from a T to A substitution at nucleotide position 6197. The phenylalanine at codon 2066 is replaced by tyrosine, an amino acid with highly similar properties. This amino acid position is conserved. In addition, this alteration is predicted to be tolerated by in silico analysis. Based on the available evidence, the clinical significance of this alteration remains unclear.